The following is an entry in ClinVar:

NM_003238.6(TGFB2):c.791A>G (p.Gln264Arg)

Gene: TGFB2 (transforming growth factor beta 2; plus strand). Cytogenetic location: 1q41.
Variant type: single nucleotide variant.
Coding change: c.791A>G on transcript NM_003238.6 (MANE Select); coding-DNA position 791, A replaced by G.
Protein change: p.Gln264Arg; replaces glutamine 264 with arginine.
Molecular consequence: missense variant.
Genome position (GRCh38, 1-based): chr1:218,436,006, A>G. VCF-style: chr1-218436006-A-G. GRCh37 (hg19) VCF-style: chr1-218609348-A-G.
Other names: c.875A>G, p.Gln292Arg (NM_001135599.4); short protein forms Q264R, Q292R.
Identifiers: ClinVar variation 3806403 (VCV003806403.1).

ClinVar aggregate classification (germline): Uncertain significance (1 of 4 stars; one submission).

Conditions:
Familial thoracic aortic aneurysm and aortic dissection (TAAD). Also called: Thoracic aortic aneurysms and dissections. Identifiers: Orphanet 91387, MedGen C4707243, MONDO:0019625.

Submission:

Ambry Genetics
Classification: Uncertain significance for Familial thoracic aortic aneurysm and aortic dissection. Last evaluated: 2025-03-02. Review status: criteria provided, single submitter. Criteria: Ambry Variant Classification Scheme 2023. Collection method: clinical testing. Allele origin: germline.
Comment: The p.Q264R variant (also known as c.791A>G), located in coding exon 5 of the TGFB2 gene, results from an A to G substitution at nucleotide position 791. The glutamine at codon 264 is replaced by arginine, an amino acid with highly similar properties. This amino acid position is conserved. In addition, this alteration is predicted to be tolerated by in silico analysis. Based on the available evidence, the clinical significance of this variant remains unclear.